The following is an entry in ClinVar:

NM_001378454.1(ALMS1):c.9044A>G (p.Lys3015Arg)

Gene: ALMS1 (ALMS1 centrosome and basal body associated protein; plus strand). Cytogenetic location: 2p13.1.
Variant type: single nucleotide variant.
Coding change: c.9044A>G on transcript NM_001378454.1 (MANE Select); coding-DNA position 9044, A replaced by G.
Protein change: p.Lys3015Arg; replaces lysine 3015 with arginine.
Molecular consequence: missense variant.
Genome position (GRCh38, 1-based): chr2:73,491,003, A>G. VCF-style: chr2-73491003-A-G. GRCh37 (hg19) VCF-style: chr2-73718130-A-G.
Other names: c.9047A>G, p.Lys3016Arg (NM_015120.4); short protein forms K3015R, K3016R.
Identifiers: ClinVar variation 3355316 (VCV003355316.1).

ClinVar aggregate classification (germline): Uncertain significance (0 of 4 stars; one submission).

Conditions:
ALMS1-related disorder. Also called: ALMS1-related condition.

gnomAD v4.1: 2 of 1,614,240 alleles (0.00012%); highest among the groups gnomAD compares: South Asian, 0.0011%; no homozygotes.

Submission:

PreventionGenetics, part of Exact Sciences
Classification: Uncertain significance for ALMS1-related condition. Last evaluated: 2024-03-28. Review status: no assertion criteria provided. Collection method: clinical testing. Allele origin: germline.
Comment: The ALMS1 c.9047A>G variant is predicted to result in the amino acid substitution p.Asn3016Ser. To our knowledge, this variant has not been reported in the literature. This variant is reported in 0.019% of alleles in individuals of African descent in gnomAD. At this time, the clinical significance of this variant is uncertain due to the absence of conclusive functional and genetic evidence.